The following is an entry in ClinVar:

NM_007194.4(CHEK2):c.714C>T (p.Phe238=)

Gene: CHEK2 (checkpoint kinase 2; minus strand). Cytogenetic location: 22q12.1.
Variant type: single nucleotide variant.
Coding change: c.714C>T on transcript NM_007194.4 (MANE Select); coding-DNA position 714, C replaced by T.
Protein change: p.Phe238=; no amino-acid change (phenylalanine 238 retained).
Molecular consequence: synonymous variant.
Genome position (GRCh38, 1-based): chr22:28,711,987, G>A on the plus strand (C>T on the coding strand, the complement: CHEK2 is on the minus strand). VCF-style: chr22-28711987-G-A. GRCh37 (hg19) VCF-style: chr22-29107975-G-A.
Other names: c.843C>T, p.Phe281= (NM_001005735.3); c.51C>T, p.Phe17= (NM_001257387.3); c.513C>T, p.Phe171= (NM_001349956.3); c.714C>T, p.Phe238= (NM_145862.3).
Identifiers: ClinVar variation 219950 (VCV000219950.57), dbSNP rs864622322, ClinGen allele CA349418.

ClinVar aggregate classification (germline): Benign/Likely benign. Review status: criteria provided, multiple submitters, no conflicts (2 of 4 stars). 10 submissions from 10 submitters: Benign (1); Likely benign (7). 2 of the submissions do not count toward it. Last evaluated 2026-08-01.

Conditions:
CHEK2-related disorder.
Hereditary cancer-predisposing syndrome. Also called: Neoplastic Syndromes, Hereditary; Tumor predisposition; Hereditary Cancer Syndrome; Hereditary neoplastic syndrome. Identifiers: Orphanet 140162, MedGen C0027672, MeSH D009386, MONDO:0015356.
Familial cancer of breast. Also called: BREAST CANCER, FAMILIAL; hereditary breast carcinoma; Hereditary breast cancer. Identifiers: Orphanet 227535, MedGen C0346153, MONDO:0016419, OMIM 114480. Disease mechanism: loss of function.
Malignant tumor of breast. Also called: Cancer breast; Malignant breast neoplasm. Identifiers: MedGen C0006142, MONDO:0007254. Disease mechanism: loss of function.

Allele frequency attached by ClinVar (database versions not stated): gnomAD exomes 0.00001; TOPMed 0.00002.
gnomAD v4.1: 24 of 1,613,466 alleles (0.0015%); highest among the groups gnomAD compares: East Asian, 0.011%; no homozygotes.

Submissions (10):

CeGaT Center for Human Genetics Tuebingen
Classification: Likely benign. Last evaluated: 2026-08-01. Review status: criteria provided, single submitter. Criteria: CeGaT Center For Human Genetics Tuebingen Variant Classification Criteria Version 2. Collection method: clinical testing. Allele origin: germline. Affected: yes. Observed: 2 variant alleles.
Comment: CHEK2: BP4, BP7

Labcorp Genetics (formerly Invitae), Labcorp
Classification: Likely benign for Familial cancer of breast. Last evaluated: 2026-02-02. Review status: criteria provided, single submitter. Criteria: Invitae Variant Classification Sherloc (09022015). Collection method: clinical testing. Allele origin: germline.

Center for Genomic Medicine, Rigshospitalet, Copenhagen University Hospital
Classification: Likely benign. Last evaluated: 2025-12-29. Review status: criteria provided, single submitter. Criteria: ACMG Guidelines, 2015. Collection method: clinical testing. Allele origin: germline.

Quest Diagnostics Nichols Institute San Juan Capistrano
Classification: Likely benign. Last evaluated: 2025-06-18. Review status: criteria provided, single submitter. Criteria: Quest Diagnostics criteria. Collection method: clinical testing. Allele origin: unknown.

Myriad Genetics, Inc.
Classification: Benign for Familial cancer of breast. Last evaluated: 2024-10-03. Review status: criteria provided, single submitter. Criteria: Myriad Autosomal Dominant, Autosomal Recessive and X-Linked Classification Criteria (2023). Collection method: clinical testing. Allele origin: unknown.
Comment: This variant is considered benign. This variant is a silent/synonymous amino acid change and it is not expected to impact splicing.

GeneDx
Classification: Likely benign. Last evaluated: 2017-03-17. Review status: criteria provided, single submitter. Criteria: GeneDx Variant Classification (06012015). Collection method: clinical testing. Allele origin: germline. Affected: yes.
Comment: This variant is considered likely benign or benign based on one or more of the following criteria: it is a conservative change, it occurs at a poorly conserved position in the protein, it is predicted to be benign by multiple in silico algorithms, and/or has population frequency not consistent with disease.

Color Diagnostics, LLC DBA Color Health
Classification: Likely benign for Hereditary cancer-predisposing syndrome. Last evaluated: 2017-01-22. Review status: criteria provided, single submitter. Criteria: ACMG Guidelines, 2015. Collection method: clinical testing. Allele origin: germline.

Ambry Genetics
Classification: Likely benign for Hereditary cancer-predisposing syndrome. Last evaluated: 2015-11-27. Review status: criteria provided, single submitter. Criteria: Ambry Variant Classification Scheme 2023. Collection method: clinical testing. Allele origin: germline.

PreventionGenetics, part of Exact Sciences
Classification: Likely benign for CHEK2-related condition. Last evaluated: 2021-01-08. Review status: no assertion criteria provided. Collection method: clinical testing. Allele origin: germline. Not counted in ClinVar's aggregate classification.
Comment: This variant is classified as likely benign based on ACMG/AMP sequence variant interpretation guidelines (Richards et al. 2015 PMID: 25741868, with internal and published modifications).

Department of Pathology and Laboratory Medicine, Sinai Health System
Classification: Likely benign for Malignant tumor of breast. Review status: no assertion criteria provided. Collection method: clinical testing. Allele origin: unknown. Affected: yes. Study: The Canadian Open Genetics Repository (COGR). Not counted in ClinVar's aggregate classification.
Comment: The CHEK2 p.Phe238= variant was not identified in the literature. The variant was identified in dbSNP (rs864622322) as â€šÃ„Ãºwith likely benign alleleâ€šÃ„Ã¹ and ClinVar (classified as likely benign by Invitae, GeneDx and Color). The variant was identified in control databases in 2 of 251,354 chromosomes at a frequency of 0.000008 (Genome Aggregation Database Feb 27, 2017). The variant was observed in the following populations: East Asian in 1 of 18,390 chromosomes (freq: 0.00005), European in 1 of 113,712 chromosomes (freq: 0.000009), while the variant was not observed in the African, Latino, Ashkenazi Jewish, Finnish, Other, and South Asian populations. The p.Phe238= variant is not expected to have clinical significance because it does not result in a change of amino acid and is not located in a known consensus splice site. The variant occurs at a non-highly conserved nucleotide outside of the splicing consensus sequence and in silico or computational prediction software programs (SpliceSiteFinder, MaxEntScan, NNSPLICE, GeneSplicer) do not predict a difference in splicing. In summary, based on the above information the clinical significance of this variant cannot be determined with certainty at this time although we would lean towards a more benign role for this variant. This variant is classified as likely benign.

Literature cited by the submitters: PubMed 30287823 (cited by Quest Diagnostics Nichols Institute San Juan Capistrano); PubMed 31874108 (cited by Quest Diagnostics Nichols Institute San Juan Capistrano).